The following is an entry in ClinVar:

NM_001164508.2(NEB):c.18693G>C (p.Ala6231=)

Gene: NEB (nebulin; minus strand). Cytogenetic location: 2q23.3.
Variant type: single nucleotide variant.
Coding change: c.18693G>C on transcript NM_001164508.2 (MANE Select); coding-DNA position 18693, G replaced by C.
Protein change: p.Ala6231=; no amino-acid change (alanine 6231 retained).
Molecular consequence: synonymous variant.
Genome position (GRCh38, 1-based): chr2:151,563,606, C>G on the plus strand (G>C on the coding strand, the complement: NEB is on the minus strand). VCF-style: chr2-151563606-C-G. GRCh37 (hg19) VCF-style: chr2-152420120-C-G.
Other names: c.18693G>C, p.Ala6231= (NM_001164507.2, NM_001271208.2); c.13590G>C, p.Ala4530= (NM_004543.5).
Identifiers: ClinVar variation 129714 (VCV000129714.33), dbSNP rs141338915, ClinGen allele CA153904.
Genomic context (GRCh38, chr2:151,563,606, plus strand): 5'-GCAGACACGGCAGCACACTTATGGGGCACAAATCCCGTGTTAAAGTGGACATTTACTTAC[C>G]GCACTCCTCATCTTTTGGAAATCCAGACAGTGAACCACACCAGGGAATTCACCGATCACT-3'
Protein context (NP_001157980.2, residues 6221-6241): HCLDFQKMRS[Ala6231=]LNYRKHYEDT

ClinVar aggregate classification (germline): Benign/Likely benign. Review status: criteria provided, multiple submitters, no conflicts (2 of 4 stars). 13 submissions from 13 submitters: Benign (8); Likely benign (1). 4 of the submissions do not count toward it. Last evaluated 2026-02-04.

Conditions:
Nemaline myopathy 2 (NEM2). Also called: Nemaline myopathy 2, autosomal recessive. Identifiers: MedGen C1850569, MONDO:0009725, OMIM 256030.
Arthrogryposis multiplex congenita 6. Identifiers: MedGen C5543431, MONDO:0030281, OMIM 619334.

Allele frequency attached by ClinVar (database versions not stated): ESP Exome Variant Server 0.00268; gnomAD 0.00448 and 0.00484; TOPMed 0.00589; 1000 Genomes Project 30x 0.01234; 1000 Genomes Project 0.01358.
gnomAD v4.1: 3,453 of 1,611,602 alleles (0.21%); highest among the groups gnomAD compares: East Asian, 3.3%; 49 homozygotes.

Submissions (15):

Labcorp Genetics (formerly Invitae), Labcorp
Classification: Benign for Nemaline myopathy 2. Last evaluated: 2026-02-04. Review status: criteria provided, single submitter. Criteria: Invitae Variant Classification Sherloc (09022015). Collection method: clinical testing. Allele origin: germline.

Athena Diagnostics
Classification: Benign. Last evaluated: 2025-05-09. Review status: criteria provided, single submitter. Criteria: Athena Diagnostics Criteria. Collection method: clinical testing. Allele origin: unknown.
Comment: The frequency of this variant in the general population is higher than would generally be expected for pathogenic variants in this gene.

Fulgent Genetics
Classification: Likely benign for Nemaline myopathy 2; Arthrogryposis multiplex congenita 6. Last evaluated: 2022-04-06. Review status: criteria provided, single submitter. Criteria: ACMG Guidelines, 2015. Collection method: clinical testing. Allele origin: unknown.

Illumina Laboratory Services, Illumina
Classification: Benign for Nemaline myopathy 2. Last evaluated: 2018-01-13. Review status: criteria provided, single submitter. Criteria: ICSL Variant Classification Criteria 13 December 2019. Collection method: clinical testing. Allele origin: germline.
Comment: This variant was observed in the ICSL laboratory as part of a predisposition screen in an ostensibly healthy population. It had not been previously curated by ICSL or reported in the Human Gene Mutation Database (HGMD: prior to June 1st, 2018), and was therefore a candidate for classification through an automated scoring system. Utilizing variant allele frequency, disease prevalence and penetrance estimates, and inheritance mode, an automated score was calculated to assess if this variant is too frequent to cause the disease. Based on the score and internal cut-off values, a variant classified as benign is not then subjected to further curation. The score for this variant resulted in a classification of benign for this disease.

Women's Health and Genetics/Laboratory Corporation of America, LabCorp
Classification: Benign. Last evaluated: 2017-04-24. Review status: criteria provided, single submitter. Criteria: LabCorp Variant Classification Summary - May 2015. Collection method: clinical testing. Allele origin: germline.
Comment: Variant summary: The NEB c.18693G>C (p.Ala6231Ala) variant involves the alteration of a conserved nucleotide, resulting in a synonymous change that is located at the last nucleotide of exon 119, therefore suggesting the variant could affect splicing. One in silico tool (mutation taster) predicts a damaging outcome for this variant. 3/5 splice prediction tools predict an impact on normal splicing and ESE finder predicts that this variant may affect ESE site. However, these predictions have yet to be confirmed by functional studies. This variant was found in 703/120702 control chromosomes (16 homozygotes) from ExAC at a frequency of 0.0058243, which is approximately 2 times the estimated maximal expected allele frequency of a pathogenic NEB variant (0.0035355), suggesting this variant is likely a benign polymorphism. The variant is more common in East Asian sub-population with allele frequency of 4.7% (408/8614 chromosomes). In addition, multiple clinical diagnostic laboratories/reputable databases classified this variant as "likely benign/benign." Therefore, the variant of interest has been classified as Benign.

GeneDx
Classification: Benign. Last evaluated: 2016-07-08. Review status: criteria provided, single submitter. Criteria: GeneDx Variant Classification (06012015). Collection method: clinical testing. Allele origin: germline. Affected: yes.
Comment: This variant is considered likely benign or benign based on one or more of the following criteria: it is a conservative change, it occurs at a poorly conserved position in the protein, it is predicted to be benign by multiple in silico algorithms, and/or has population frequency not consistent with disease.

Eurofins Ntd Llc (ga)
Classification: Benign. Last evaluated: 2015-02-13. Review status: criteria provided, single submitter. Criteria: EGL Classification Definitions 2015. Collection method: clinical testing. Allele origin: germline. Observed: 1 variant allele, 1 heterozygote.

Breakthrough Genomics
Classification: Benign. Review status: criteria provided, single submitter. Criteria: ACMG Guidelines, 2015. Collection method: not provided. Allele origin: germline. Inheritance: Autosomal recessive inheritance. Affected: yes.

PreventionGenetics, part of Exact Sciences
Classification: Benign. Review status: criteria provided, single submitter. Criteria: ACMG Guidelines, 2015. Collection method: clinical testing. Allele origin: germline.

Natera, Inc.
Classification: Benign for Nemaline myopathy type 2. Last evaluated: 2020-09-16. Review status: no assertion criteria provided. Collection method: clinical testing. Allele origin: germline. Not counted in ClinVar's aggregate classification.

Dr. Peter K. Rogan Lab, Western University
No classification provided (evidence only). Condition: Gastric cancer. Review status: no classification provided. Collection method: in vitro. Allele origin: not applicable. Functional consequence: retained intron. Not counted in ClinVar's aggregate classification.

Dr. Peter K. Rogan Lab, Western University
No classification provided (evidence only). Condition: Gastric cancer. Review status: no classification provided. Collection method: in vitro. Allele origin: not applicable. Functional consequence: retained intron. Not counted in ClinVar's aggregate classification.

Genetic Services Laboratory, University of Chicago
Classification: Likely benign for AllHighlyPenetrant. Review status: no assertion criteria provided. Collection method: clinical testing. Allele origin: germline. Inheritance: Autosomal recessive inheritance. Not counted in ClinVar's aggregate classification.
Comment: Likely benign based on allele frequency in 1000 Genomes Project or ESP global frequency and its presence in a patient with a rare or unrelated disease phenotype. NOT Sanger confirmed.

Genome Diagnostics Laboratory, University Medical Center Utrecht
Classification: Likely benign. Review status: no assertion criteria provided. Collection method: clinical testing. Allele origin: germline. Affected: yes. Study: VKGL Data-share Consensus. Not counted in ClinVar's aggregate classification.

Laboratory of Diagnostic Genome Analysis, Leiden University Medical Center (LUMC)
Classification: Likely benign. Review status: no assertion criteria provided. Collection method: clinical testing. Allele origin: germline. Affected: yes. Study: VKGL Data-share Consensus. Not counted in ClinVar's aggregate classification.